The following is an entry in ClinVar:

NM_000868.4(HTR2C):c.1251G>A (p.Arg417=)

Genes: HTR2C (5-hydroxytryptamine receptor 2C; plus strand), LOC126863306 (MED14-independent group 3 enhancer GRCh37_chrX:114140926-114142125; plus strand). Cytogenetic location: Xq23.
Variant type: single nucleotide variant.
Coding change: c.1251G>A on transcript NM_000868.4 (MANE Select); coding-DNA position 1251, G replaced by A.
Protein change: p.Arg417=; no amino-acid change (arginine 417 retained).
Molecular consequence: synonymous variant. On other transcripts: 3 prime UTR variant (1).
Genome position (GRCh38, 1-based): chrX:114,907,289, G>A. VCF-style: chrX-114907289-G-A. GRCh37 (hg19) VCF-style: chrX-114141852-G-A.
Other names: c.1251G>A (NM_000868.3); c.1251G>A, p.Arg417= (NM_001256760.3); c.*409G>A (NM_001256761.3).
Identifiers: ClinVar variation 2661227 (VCV002661227.24), dbSNP rs1556487312, ClinGen allele CA518448948.

ClinVar aggregate classification (germline): Likely benign. Review status: criteria provided, single submitter (1 of 4 stars). 2 submissions from 2 submitters: Likely benign (1). 1 of the submissions does not count toward it. Last evaluated 2023-07-01.

Conditions:
HTR2C-related disorder. Also called: HTR2C-related condition.

Allele frequency attached by ClinVar (database versions not stated): gnomAD 0.00001; TOPMed 0.00002; gnomAD exomes 0.00003.
gnomAD v4.1: 37 of 1,208,338 alleles (0.0031%); highest among the groups gnomAD compares: Non-Finnish European, 0.0038%; no homozygotes.

Submissions (2):

CeGaT Center for Human Genetics Tuebingen
Classification: Likely benign. Last evaluated: 2023-07-01. Review status: criteria provided, single submitter. Criteria: CeGaT Center For Human Genetics Tuebingen Variant Classification Criteria Version 2. Collection method: clinical testing. Allele origin: germline. Affected: yes. Observed: 1 variant allele.
Comment: HTR2C: BP4, BP7

PreventionGenetics, part of Exact Sciences
Classification: Likely benign for HTR2C-related condition. Last evaluated: 2023-10-13. Review status: no assertion criteria provided. Collection method: clinical testing. Allele origin: germline. Not counted in ClinVar's aggregate classification.
Comment: This variant is classified as likely benign based on ACMG/AMP sequence variant interpretation guidelines (Richards et al. 2015 PMID: 25741868, with internal and published modifications).